The following is an entry in ClinVar:

NM_001999.4(FBN2):c.311T>A (p.Leu104His)

Gene: FBN2 (fibrillin 2; minus strand). Cytogenetic location: 5q23.3.
Variant type: single nucleotide variant.
Coding change: c.311T>A on transcript NM_001999.4 (MANE Select); coding-DNA position 311, T replaced by A.
Protein change: p.Leu104His; replaces leucine 104 with histidine.
Molecular consequence: missense variant.
Genome position (GRCh38, 1-based): chr5:128,536,428, A>T on the plus strand (T>A on the coding strand, the complement: FBN2 is on the minus strand). VCF-style: chr5-128536428-A-T. GRCh37 (hg19) VCF-style: chr5-127872121-A-T.
Other names: short protein forms L104H.
Identifiers: ClinVar variation 3008081 (VCV003008081.3), dbSNP rs1756848560, ClinGen allele CA360761296.

ClinVar aggregate classification (germline): Uncertain significance (1 of 4 stars; one submission).

Conditions:
Congenital contractural arachnodactyly (CCA). Also called: BEALS SYNDROME; Beals-Hecht syndrome; Arthrogryposis, distal, type 9. Identifiers: Orphanet 115, MedGen C0220668, MONDO:0007363, OMIM 121050.

Allele frequency attached by ClinVar (database versions not stated): TOPMed below 0.00001.

Submission:

Labcorp Genetics (formerly Invitae), Labcorp
Classification: Uncertain significance for Congenital contractural arachnodactyly. Last evaluated: 2024-09-17. Review status: criteria provided, single submitter. Criteria: Invitae Variant Classification Sherloc (09022015). Collection method: clinical testing. Allele origin: germline.
Comment: This sequence change replaces leucine, which is neutral and non-polar, with histidine, which is basic and polar, at codon 104 of the FBN2 protein (p.Leu104His). This variant is not present in population databases (gnomAD no frequency). This variant has not been reported in the literature in individuals affected with FBN2-related conditions. Invitae Evidence Modeling of protein sequence and biophysical properties (such as structural, functional, and spatial information, amino acid conservation, physicochemical variation, residue mobility, and thermodynamic stability) has been performed for this missense variant. However, the output from this modeling did not meet the statistical confidence thresholds required to predict the impact of this variant on FBN2 protein function. In summary, the available evidence is currently insufficient to determine the role of this variant in disease. Therefore, it has been classified as a Variant of Uncertain Significance.